The following is an entry in ClinVar:

ClinVar aggregate classification (germline): Uncertain significance. Review status: criteria provided, multiple submitters, no conflicts (2 of 4 stars). 9 submissions from 9 submitters: Uncertain significance (9). Last evaluated 2026-03-08.

Conditions:
COL3A1-related disorder. Also called: COL3A1-related condition.
Ehlers-Danlos syndrome, type 4 (EDSVASC). Also called: Ehlers-Danlos Syndrome Type IV; Ehlers-Danlos syndrome vascular type; Ehlers Danlos syndrome, ecchymotic type; Ehlers Danlos syndrome, arterial type; Ehlers Danlos syndrome, Sack-Barabas type. Identifiers: Orphanet 286, MedGen C0268338, MONDO:0017314, OMIM 130050.
Polymicrogyria with or without vascular-type Ehlers-Danlos syndrome. Identifiers: Orphanet 636941, MedGen C5193040, MONDO:0032688, OMIM 618343.
Familial thoracic aortic aneurysm and aortic dissection (TAAD). Also called: Thoracic aortic aneurysms and dissections. Identifiers: Orphanet 91387, MedGen C4707243, MONDO:0019625.

Allele frequency attached by ClinVar (database versions not stated): gnomAD exomes below 0.00001; TOPMed below 0.00001.
gnomAD v4.1: 5 of 1,613,262 alleles (0.00031%); highest among the groups gnomAD compares: Non-Finnish European, 0.00042%; no homozygotes.

Submissions (9):

PreventionGenetics, part of Exact Sciences
Classification: Uncertain significance for COL3A1-related condition. Last evaluated: 2026-03-08. Review status: criteria provided, single submitter. Criteria: ACMG Guidelines, 2015. Collection method: clinical testing. Allele origin: germline.
Comment: The COL3A1 c.1975C>A variant is predicted to result in the amino acid substitution p.Pro659Thr. To our knowledge, this variant has not been reported in the literature. This variant is reported in 0.00088% of alleles in individuals of European (Non-Finnish) descent in gnomAD. At this time, the clinical significance of this variant is uncertain due to the absence of conclusive functional and genetic evidence.

Women's Health and Genetics/Laboratory Corporation of America, LabCorp
Classification: Uncertain significance. Last evaluated: 2026-03-04. Review status: criteria provided, single submitter. Criteria: LabCorp Variant Classification Summary - May 2015. Collection method: clinical testing. Allele origin: germline.
Comment: Variant summary: COL3A1 c.1975C>A (p.Pro659Thr) results in a non-conservative amino acid change in the encoded protein sequence near a canonical splice site. Algorithms developed to predict the effect of missense changes on protein structure and function are either unavailable or do not agree on the potential impact of this missense change. Consensus agreement among computation tools predict no significant impact on normal splicing. However, these predictions have yet to be confirmed by functional studies. The variant allele was found at a frequency of 4e-06 in 250548 control chromosomes. The available data on variant occurrences in the general population are insufficient to allow any conclusion about variant significance. To our knowledge, no occurrence of c.1975C>A in individuals affected with COL3A1-related conditions and no experimental evidence demonstrating its impact on protein function have been reported. ClinVar contains an entry for this variant (Variation ID: 424460). Based on the evidence outlined above, the variant was classified as uncertain significance.

Labcorp Genetics (formerly Invitae), Labcorp
Classification: Uncertain significance for Ehlers-Danlos syndrome, type 4. Last evaluated: 2025-11-16. Review status: criteria provided, single submitter. Criteria: Invitae Variant Classification Sherloc (09022015). Collection method: clinical testing. Allele origin: germline.
Comment: This sequence change replaces proline, which is neutral and non-polar, with threonine, which is neutral and polar, at codon 659 of the COL3A1 protein (p.Pro659Thr). This variant is present in population databases (no rsID available, gnomAD 0.0009%). This variant has not been reported in the literature in individuals affected with COL3A1-related conditions. ClinVar contains an entry for this variant (Variation ID: 424460). Experimental studies and prediction algorithms are not available or were not evaluated, and the functional significance of this variant is currently unknown. In summary, the available evidence is currently insufficient to determine the role of this variant in disease. Therefore, it has been classified as a Variant of Uncertain Significance.

Mayo Clinic Laboratories, Mayo Clinic
Classification: Uncertain significance. Last evaluated: 2025-09-25. Review status: criteria provided, single submitter. Criteria: ACMG Guidelines, 2015. Collection method: clinical testing. Allele origin: germline. Observed: 1 variant allele.
Comment: PM2_supporting

Ambry Genetics
Classification: Uncertain significance for Familial thoracic aortic aneurysm and aortic dissection. Last evaluated: 2025-03-26. Review status: criteria provided, single submitter. Criteria: Ambry Variant Classification Scheme 2023. Collection method: clinical testing. Allele origin: germline.
Comment: The p.P659T variant (also known as c.1975C>A), located in coding exon 28 of the COL3A1 gene, results from a C to A substitution at nucleotide position 1975. The proline at codon 659 is replaced by threonine, an amino acid with highly similar properties. This amino acid position is not well conserved in available vertebrate species. In addition, this alteration is predicted to be tolerated by in silico analysis. Based on the available evidence, the clinical significance of this variant remains unclear.

All of Us Research Program, National Institutes of Health
Classification: Uncertain significance for Ehlers-Danlos syndrome, type 4. Last evaluated: 2024-09-17. Review status: criteria provided, single submitter. Criteria: ACMG Guidelines, 2015. Collection method: clinical testing. Allele origin: germline. Inheritance: Autosomal dominant inheritance. Observed: 6 variant alleles, 6 heterozygotes.
Comment: This missense variant replaces proline with threonine at codon 659 of the COL3A1 protein. Computational prediction suggests that this variant may not impact protein structure and function (internally defined REVEL score threshold <= 0.5, PMID: 27666373). To our knowledge, functional studies have not been reported for this variant. This variant has not been reported in individuals affected with cardiovascular disorders in the literature. This variant has been identified in 1/250548 chromosomes in the general population by the Genome Aggregation Database (gnomAD). The available evidence is insufficient to determine the role of this variant in disease conclusively. Therefore, this variant is classified as a Variant of Uncertain Significance.

This study involves interpretation of variants in research participants for the purpose of population health screening. Participant phenotype was not available at the time of variant classification. Additional details can be found in publication PMID: 35346344, PMCID: PMC8962531

Color Diagnostics, LLC DBA Color Health
Classification: Uncertain significance for Familial thoracic aortic aneurysm and aortic dissection. Last evaluated: 2023-09-27. Review status: criteria provided, single submitter. Criteria: ACMG Guidelines, 2015. Collection method: clinical testing. Allele origin: germline.
Comment: This missense variant replaces proline with threonine at codon 659 of the COL3A1 protein. Computational prediction suggests that this variant may not impact protein structure and function (internally defined REVEL score threshold <= 0.5, PMID: 27666373). To our knowledge, functional studies have not been reported for this variant. This variant has not been reported in individuals affected with COL3A1-related disorders in the literature. This variant has been identified in 1/250548 chromosomes in the general population by the Genome Aggregation Database (gnomAD). The available evidence is insufficient to determine the role of this variant in disease conclusively. Therefore, this variant is classified as a Variant of Uncertain Significance.

GeneDx
Classification: Uncertain significance. Last evaluated: 2022-03-02. Review status: criteria provided, single submitter. Criteria: GeneDx Variant Classification Process June 2021. Collection method: clinical testing. Allele origin: germline. Affected: yes.
Comment: Has not been previously published as pathogenic or benign to our knowledge; Not observed at significant frequency in large population cohorts (gnomAD); In silico analysis supports that this missense variant does not alter protein structure/function; Occurs in the triple helical domain at the Y position in the canonical Gly-X-Y repeat; although this variant may have an effect on normal protein folding and function, missense substitution at the Y position is not a common mechanism of disease (HGMD)

Fulgent Genetics
Classification: Uncertain significance for Ehlers-Danlos syndrome, type 4; Polymicrogyria with or without vascular-type Ehlers-Danlos syndrome. Last evaluated: 2021-10-20. Review status: criteria provided, single submitter. Criteria: ACMG Guidelines, 2015. Collection method: clinical testing. Allele origin: unknown.

NM_000090.4(COL3A1):c.1975C>A (p.Pro659Thr)

Gene: COL3A1 (collagen type III alpha 1 chain; plus strand). Cytogenetic location: 2q32.2.
Variant type: single nucleotide variant.
Coding change: c.1975C>A on transcript NM_000090.4 (MANE Select); coding-DNA position 1975, C replaced by A.
Protein change: p.Pro659Thr; replaces proline 659 with threonine.
Molecular consequence: missense variant.
Genome position (GRCh38, 1-based): chr2:188,998,317, C>A. VCF-style: chr2-188998317-C-A. GRCh37 (hg19) VCF-style: chr2-189863043-C-A.
Other names: p.Pro659Thr; short protein forms P659T.
Identifiers: ClinVar variation 424460 (VCV000424460.17), dbSNP rs1064796979, ClinGen allele CA16617391.
Genomic context (GRCh38, chr2:188,998,317, plus strand): 5'-TCTTTCTAGGGCTTGCCTGGTACAGGTGGTCCTCCAGGAGAAAATGGAAAACCTGGGGAA[C>A]CAGTAAGTTACGTTTCATTATTCAAAACTCAGAAACAAAAAGAATACACACTGTTTGTTT-3'
Protein context (NP_000081.2, residues 649-669): PPGENGKPGE[Pro659Thr]GPKGDAGAPG